The following is an entry in ClinVar:

ClinVar aggregate classification (germline): Uncertain significance (1 of 4 stars; one submission).

Allele frequency attached by ClinVar (database versions not stated): ExAC 0.00001; gnomAD exomes 0.00001; TOPMed 0.00001; gnomAD 0.00002.
gnomAD v4.1: 10 of 1,612,834 alleles (0.00062%); highest among the groups gnomAD compares: Admixed American, 0.005%; no homozygotes.

Submission:

Labcorp Genetics (formerly Invitae), Labcorp
Classification: Uncertain significance. Last evaluated: 2022-07-15. Review status: criteria provided, single submitter. Criteria: Invitae Variant Classification Sherloc (09022015). Collection method: clinical testing. Allele origin: germline.
Comment: This sequence change falls in intron 17 of the EPS8 gene. It does not directly change the encoded amino acid sequence of the EPS8 protein. It affects a nucleotide within the consensus splice site. This variant is present in population databases (rs763890008, gnomAD 0.002%). This variant has not been reported in the literature in individuals affected with EPS8-related conditions. Variants that disrupt the consensus splice site are a relatively common cause of aberrant splicing (PMID: 17576681, 9536098). Algorithms developed to predict the effect of sequence changes on RNA splicing suggest that this variant is not likely to affect RNA splicing. In summary, the available evidence is currently insufficient to determine the role of this variant in disease. Therefore, it has been classified as a Variant of Uncertain Significance.

Literature cited by the submitters: PubMed 17576681; PubMed 9536098.

NM_004447.6(EPS8):c.1821+3G>A

Gene: EPS8 (EGFR pathway substrate 8, signaling adaptor; minus strand). Cytogenetic location: 12p12.3.
Variant type: single nucleotide variant.
Coding change: c.1821+3G>A on transcript NM_004447.6 (MANE Select); 3 bases into the intron after coding-DNA position 1821, G replaced by A.
Molecular consequence: intron variant.
Genome position (GRCh38, 1-based): chr12:15,640,700, C>T on the plus strand (G>A on the coding strand, the complement: EPS8 is on the minus strand). VCF-style: chr12-15640700-C-T. GRCh37 (hg19) VCF-style: chr12-15793634-C-T.
Identifiers: ClinVar variation 1947825 (VCV001947825.2), dbSNP rs763890008, ClinGen allele CA6467441.